The following is an entry in ClinVar:

ClinVar aggregate classification (germline): Uncertain significance (1 of 4 stars; one submission).

Submission:

GeneDx
Classification: Uncertain significance. Last evaluated: 2026-06-29. Review status: criteria provided, single submitter. Criteria: GeneDx Variant Classification Process June 2021. Collection method: clinical testing. Allele origin: germline.
Comment: Not observed at significant frequency in large population cohorts (gnomAD); In silico analysis suggests that this missense variant does not alter protein structure/function; Has not been previously published as pathogenic or benign to our knowledge

NM_015021.3(ZNF292):c.4091C>T (p.Ala1364Val)

Gene: ZNF292 (zinc finger protein 292; plus strand). Cytogenetic location: 6q14.3.
Variant type: single nucleotide variant.
Coding change: c.4091C>T on transcript NM_015021.3 (MANE Select); coding-DNA position 4091, C replaced by T.
Protein change: p.Ala1364Val; replaces alanine 1364 with valine.
Molecular consequence: missense variant.
Genome position (GRCh38, 1-based): chr6:87,257,720, C>T. VCF-style: chr6-87257720-C-T. GRCh37 (hg19) VCF-style: chr6-87967438-C-T.
Other names: c.3671C>T, p.Ala1224Val (NM_001351444.2); short protein forms A1224V, A1364V.
Identifiers: ClinVar variation 4686512 (VCV004686512.2).